The following is an entry in ClinVar:

NM_005732.4(RAD50):c.2786T>C (p.Leu929Ser)

Gene: RAD50 (RAD50 double strand break repair protein; plus strand). Cytogenetic location: 5q31.1.
Variant type: single nucleotide variant.
Coding change: c.2786T>C on transcript NM_005732.4 (MANE Select); coding-DNA position 2786, T replaced by C.
Protein change: p.Leu929Ser; replaces leucine 929 with serine.
Molecular consequence: missense variant.
Genome position (GRCh38, 1-based): chr5:132,608,682, T>C. VCF-style: chr5-132608682-T-C. GRCh37 (hg19) VCF-style: chr5-131944374-T-C.
Other names: short protein forms L929S.
Identifiers: ClinVar variation 232884 (VCV000232884.15), dbSNP rs876660050, ClinGen allele CA10578582.

ClinVar aggregate classification (germline): Uncertain significance. Review status: criteria provided, multiple submitters, no conflicts (2 of 4 stars). 2 submissions from 2 submitters: Uncertain significance (2). Last evaluated 2023-04-19.

Conditions:
Hereditary cancer-predisposing syndrome. Also called: Neoplastic Syndromes, Hereditary; Tumor predisposition; Hereditary Cancer Syndrome; Hereditary neoplastic syndrome. Identifiers: Orphanet 140162, MedGen C0027672, MeSH D009386, MONDO:0015356.

Allele frequency attached by ClinVar (database versions not stated): gnomAD exomes below 0.00001; TOPMed below 0.00001; gnomAD 0.00001.

Submissions (2):

Labcorp Genetics (formerly Invitae), Labcorp
Classification: Uncertain significance for Hereditary cancer-predisposing syndrome. Last evaluated: 2023-04-19. Review status: criteria provided, single submitter. Criteria: Invitae Variant Classification Sherloc (09022015). Collection method: clinical testing. Allele origin: germline.
Comment: This sequence change replaces leucine, which is neutral and non-polar, with serine, which is neutral and polar, at codon 929 of the RAD50 protein (p.Leu929Ser). In summary, the available evidence is currently insufficient to determine the role of this variant in disease. Therefore, it has been classified as a Variant of Uncertain Significance. Advanced modeling of protein sequence and biophysical properties (such as structural, functional, and spatial information, amino acid conservation, physicochemical variation, residue mobility, and thermodynamic stability) performed at Invitae indicates that this missense variant is not expected to disrupt RAD50 protein function. ClinVar contains an entry for this variant (Variation ID: 232884). This variant has not been reported in the literature in individuals affected with RAD50-related conditions. The frequency data for this variant in the population databases is considered unreliable, as metrics indicate poor data quality at this position in the gnomAD database.

Ambry Genetics
Classification: Uncertain significance for Hereditary cancer-predisposing syndrome. Last evaluated: 2022-09-30. Review status: criteria provided, single submitter. Criteria: Ambry Variant Classification Scheme 2023. Collection method: clinical testing. Allele origin: germline.
Comment: The p.L929S variant (also known as c.2786T>C), located in coding exon 17 of the RAD50 gene, results from a T to C substitution at nucleotide position 2786. The leucine at codon 929 is replaced by serine, an amino acid with dissimilar properties. This amino acid position is highly conserved in available vertebrate species. In addition, the in silico prediction for this alteration is inconclusive. Since supporting evidence is limited at this time, the clinical significance of this alteration remains unclear.